The following is an entry in ClinVar:

ClinVar aggregate classification (germline): Likely benign (1 of 4 stars; one submission).

Allele frequency attached by ClinVar (database versions not stated): gnomAD exomes 0.00020; ExAC 0.00060; ESP Exome Variant Server 0.00164; gnomAD 0.00174; TOPMed 0.00218; 1000 Genomes Project 0.00240; 1000 Genomes Project 30x 0.00281.
gnomAD v4.1: 561 of 1,613,970 alleles (0.035%); highest among the groups gnomAD compares: African/African-American, 0.66%; 3 homozygotes.

Submission:

CeGaT Center for Human Genetics Tuebingen
Classification: Likely benign. Last evaluated: 2022-09-01. Review status: criteria provided, single submitter. Criteria: CeGaT Center For Human Genetics Tuebingen Variant Classification Criteria Version 2. Collection method: clinical testing. Allele origin: germline. Affected: yes. Observed: 1 variant allele.
Comment: NUGGC: BP4, BP7

NM_001010906.2(NUGGC):c.765T>C (p.Asp255=)

Gene: NUGGC (nuclear GTPase, germinal center associated; minus strand). Cytogenetic location: 8p21.1.
Variant type: single nucleotide variant.
Coding change: c.765T>C on transcript NM_001010906.2 (MANE Select); coding-DNA position 765, T replaced by C.
Protein change: p.Asp255=; no amino-acid change (aspartic acid 255 retained).
Molecular consequence: synonymous variant.
Genome position (GRCh38, 1-based): chr8:28,064,678, A>G on the plus strand (T>C on the coding strand, the complement: NUGGC is on the minus strand). VCF-style: chr8-28064678-A-G. GRCh37 (hg19) VCF-style: chr8-27922195-A-G.
Identifiers: ClinVar variation 2658507 (VCV002658507.24), dbSNP rs116792344, ClinGen allele CA4693757.